The following is an entry in ClinVar:

NM_004415.4(DSP):c.6310A>T (p.Thr2104Ser)

Gene: DSP (desmoplakin; plus strand). Cytogenetic location: 6p24.3.
Variant type: single nucleotide variant.
Coding change: c.6310A>T on transcript NM_004415.4 (MANE Select); coding-DNA position 6310, A replaced by T.
Protein change: p.Thr2104Ser; replaces threonine 2104 with serine.
Molecular consequence: missense variant.
Genome position (GRCh38, 1-based): chr6:7,583,572, A>T. VCF-style: chr6-7583572-A-T. GRCh37 (hg19) VCF-style: chr6-7583805-A-T.
Other names: c.4513A>T, p.Thr1505Ser (NM_001008844.3); c.4981A>T, p.Thr1661Ser (NM_001319034.2); short protein forms T1505S, T1661S, T2104S.
Identifiers: ClinVar variation 4757817 (VCV004757817.1).

ClinVar aggregate classification (germline): Uncertain significance (1 of 4 stars; one submission).

Conditions:
Cardiomyopathy (CMYO). Also called: Cardiomyopathies. Identifiers: Orphanet 167848, MedGen C0878544, MONDO:0004994, HP:0001638. Inheritance: Various modes of inheritance.

Submission:

Color Diagnostics, LLC DBA Color Health
Classification: Uncertain significance for Cardiomyopathy. Last evaluated: 2025-08-30. Review status: criteria provided, single submitter. Criteria: ACMG Guidelines, 2015. Collection method: clinical testing. Allele origin: germline.
Comment: This missense variant replaces threonine with serine at codon 2104 of the DSP protein. Computational prediction suggests that this variant may not impact protein structure and function. To our knowledge, functional studies have not been reported for this variant. This variant has not been reported in individuals affected with DSP-related disorders in the literature. This variant has not been identified in the general population by the Genome Aggregation Database (gnomAD). The available evidence is insufficient to determine the role of this variant in disease conclusively. Therefore, this variant is classified as a Variant of Uncertain Significance.